The following continues an entry in ClinVar:

NM_000341.4(SLC3A1):c.1400T>C (p.Met467Thr)

Gene: SLC3A1. ClinVar aggregate classification (germline): Pathogenic/Likely pathogenic. Pathogenic (25); Likely pathogenic (5).

Submissions 35 to 36 of 36:

Department of Pathology and Laboratory Medicine, Sinai Health System
Classification: Pathogenic. Review status: no assertion criteria provided. Collection method: clinical testing. Allele origin: unknown. Affected: yes. Study: The Canadian Open Genetics Repository (COGR). Not counted in ClinVar's aggregate classification.
Comment: The SLC3A1 p.Met467Thr variant was identified in 19 of 782 proband chromosomes (frequency: 0.0448) from individuals or families with Cystinuria and kidney stones (Rhodes_2015_PMID:25964309; Halbritter_2015_PMID:25296721; Popovska-Jankovic_2013_PMID:23532419). The variant was identified in dbSNP (ID: rs121912691) and in ClinVar (classified as pathogenic by 7 submitters including GeneDx and Invitae; associated condition is Cystinuria). The variant was identified in control databases in 682 of 282552 chromosomes (4 homozygous) at a frequency of 0.002414 increasing the likelihood this could be a low frequency benign variant (Genome Aggregation Database Feb 27, 2017). The variant was observed in the following populations: Ashkenazi Jewish in 58 of 10362 chromosomes (freq: 0.005597), European (non-Finnish) in 517 of 128916 chromosomes (freq: 0.00401), Other in 19 of 7206 chromosomes (freq: 0.002637), Latino in 35 of 35416 chromosomes (freq: 0.000988), European (Finnish) in 24 of 25124 chromosomes (freq: 0.000955), African in 20 of 24972 chromosomes (freq: 0.000801) and South Asian in 9 of 30610 chromosomes (freq: 0.000294); it was not observed in the East Asian populations. The variant occurs outside of the splicing consensus sequence and in silico or computational prediction software programs (SpliceSiteFinder, MaxEntScan, NNSPLICE, GeneSplicer) do not predict a difference in splicing. The p.Met467 residue is conserved in mammals and computational analyses (PolyPhen-2, SIFT, AlignGVGD, BLOSUM, MutationTaster) provide inconsistent predictions regarding the impact to the protein; this information is not very predictive of pathogenicity. However, functional studies using Xenopus oocytes showed M467T mutants to have reduced transport activity (Bartoccioni_2008_PMID:18332091, Chillarâˆšâ‰¥n_1997_PMID:9083097, Calonge_1994_PMID:8054986). In summary, based on the above information this variant meets our laboratoryâ€šÃ„Ã´s criteria to be classified as pathogenic.

Genome Diagnostics Laboratory, University Medical Center Utrecht
Classification: Pathogenic. Review status: no assertion criteria provided. Collection method: clinical testing. Allele origin: germline. Affected: yes. Study: VKGL Data-share Consensus. Not counted in ClinVar's aggregate classification.

Literature cited by the submitters: PubMed 16138908 (cited by Genelabs Medical  (pvt) Ltd and Illumina Laboratory Services, Illumina); PubMed 15635077 (cited by 5 submitters); PubMed 8054986 (cited by 10 submitters); PubMed 18332091 (cited by 7 submitters); PubMed 12234283 (cited by Genelabs Medical  (pvt) Ltd and Illumina Laboratory Services, Illumina); PubMed 9083097 (cited by 5 submitters); PubMed 8792820 (cited by 4 submitters); PubMed 21677404 (cited by 3 submitters); PubMed 40794449 (cited by Rare Kidney Stone Consortium and the Mayo Clinic Hyperoxaluria Center, Mayo Clinic); PubMed 25964309 (cited by 3 submitters); PubMed 11748844 (cited by 4 submitters); PubMed 22480232 (cited by Ambry Genetics); PubMed 25296721 (cited by Ambry Genetics and Laboratory for Molecular Medicine, Mass General Brigham Personalized Medicine); PubMed 17880288 (cited by Women's Health and Genetics/Laboratory Corporation of America, LabCorp and Illumina Laboratory Services, Illumina); 21677404 (cited by Rady Children's Institute for Genomic Medicine, Rady Children's Hospital San Diego); 25296721 (cited by Rady Children's Institute for Genomic Medicine, Rady Children's Hospital San Diego); 35753512 (cited by Rady Children's Institute for Genomic Medicine, Rady Children's Hospital San Diego); 12234283 (cited by Rady Children's Institute for Genomic Medicine, Rady Children's Hospital San Diego); 25964309 (cited by Rady Children's Institute for Genomic Medicine, Rady Children's Hospital San Diego); 18332091 (cited by Rady Children's Institute for Genomic Medicine, Rady Children's Hospital San Diego); 35149915 (cited by Rady Children's Institute for Genomic Medicine, Rady Children's Hospital San Diego); 8054986 (cited by Rady Children's Institute for Genomic Medicine, Rady Children's Hospital San Diego); 33262960 (cited by Rady Children's Institute for Genomic Medicine, Rady Children's Hospital San Diego); 28689648 (cited by Rady Children's Institute for Genomic Medicine, Rady Children's Hospital San Diego); 9083097 (cited by Rady Children's Institute for Genomic Medicine, Rady Children's Hospital San Diego); PubMed 33532864 (cited by Molecular Biology Laboratory, Fundació Puigvert); PubMed 14991253 (cited by Illumina Laboratory Services, Illumina); PubMed 17010017 (cited by Illumina Laboratory Services, Illumina); PubMed 7573036 (cited by Illumina Laboratory Services, Illumina); PubMed 23532419 (cited by Illumina Laboratory Services, Illumina); PubMed 21255007 (cited by Illumina Laboratory Services, Illumina); PubMed 15691362 (cited by Illumina Laboratory Services, Illumina); PubMed 28646536 (cited by Laboratory for Molecular Medicine, Mass General Brigham Personalized Medicine); PubMed 12820697 (cited by OMIM).